The following is an entry in ClinVar:

NM_000368.5(TSC1):c.914-3T>C

Gene: TSC1 (TSC complex subunit 1; minus strand). Cytogenetic location: 9q34.13.
Variant type: single nucleotide variant.
Coding change: c.914-3T>C on transcript NM_000368.5 (MANE Select); 3 bases into the intron before coding-DNA position 914, T replaced by C.
Molecular consequence: intron variant.
Genome position (GRCh38, 1-based): chr9:132,911,571, A>G on the plus strand (T>C on the coding strand, the complement: TSC1 is on the minus strand). VCF-style: chr9-132911571-A-G. GRCh37 (hg19) VCF-style: chr9-135786958-A-G.
Other names: c.551-3T>C (NM_001362177.2); c.761-3T>C (NM_001162427.2); c.914-3T>C (NM_001162426.2).
Identifiers: ClinVar variation 936523 (VCV000936523.10), dbSNP rs781756453, ClinGen allele CA039627.

ClinVar aggregate classification (germline): Uncertain significance. Review status: criteria provided, multiple submitters, no conflicts (2 of 4 stars). 2 submissions from 2 submitters: Uncertain significance (2). Last evaluated 2024-03-11.

Conditions:
Hereditary cancer-predisposing syndrome. Also called: Tumor predisposition; Hereditary neoplastic syndrome; Neoplastic Syndromes, Hereditary; Hereditary Cancer Syndrome. Identifiers: Orphanet 140162, MedGen C0027672, MeSH D009386, MONDO:0015356.
Tuberous sclerosis 1 (TSC1). Identifiers: Orphanet 805, MedGen C1854465, MONDO:0008612, OMIM 191100.

Allele frequency attached by ClinVar (database versions not stated): gnomAD exomes below 0.00001; ExAC 0.00001.
gnomAD v4.1: 1 of 1,531,404 alleles (0.000065%); highest among the groups gnomAD compares: East Asian, 0.0024%; no homozygotes.

Submissions (2):

Ambry Genetics
Classification: Uncertain significance for Hereditary cancer-predisposing syndrome. Last evaluated: 2024-03-11. Review status: criteria provided, single submitter. Criteria: Ambry Variant Classification Scheme 2023. Collection method: clinical testing. Allele origin: germline.
Comment: The c.914-3T>C intronic variant results from a T to C substitution 3 nucleotides upstream from coding exon 8 in the TSC1 gene. This nucleotide position is not well conserved in available vertebrate species. In silico splice site analysis predicts that this alteration will not have any significant effect on splicing. Based on the available evidence, the clinical significance of this alteration remains unclear.

Labcorp Genetics (formerly Invitae), Labcorp
Classification: Uncertain significance for Tuberous sclerosis 1. Last evaluated: 2023-09-09. Review status: criteria provided, single submitter. Criteria: Invitae Variant Classification Sherloc (09022015). Collection method: clinical testing. Allele origin: germline.
Comment: In summary, the available evidence is currently insufficient to determine the role of this variant in disease. Therefore, it has been classified as a Variant of Uncertain Significance. Variants that disrupt the consensus splice site are a relatively common cause of aberrant splicing (PMID: 17576681, 9536098). Algorithms developed to predict the effect of sequence changes on RNA splicing suggest that this variant is not likely to affect RNA splicing. ClinVar contains an entry for this variant (Variation ID: 936523). This variant has not been reported in the literature in individuals affected with TSC1-related conditions. This variant is present in population databases (rs781756453, gnomAD 0.006%). This sequence change falls in intron 9 of the TSC1 gene. It does not directly change the encoded amino acid sequence of the TSC1 protein. It affects a nucleotide within the consensus splice site.

Literature cited by the submitters: PubMed 17576681 (cited by Labcorp Genetics (formerly Invitae), Labcorp); PubMed 9536098 (cited by Labcorp Genetics (formerly Invitae), Labcorp).